The following is an entry in ClinVar:

NM_000426.4(LAMA2):c.3532G>A (p.Ala1178Thr)

Gene: LAMA2 (laminin subunit alpha 2; plus strand). Cytogenetic location: 6q22.33.
Variant type: single nucleotide variant.
Coding change: c.3532G>A on transcript NM_000426.4 (MANE Select); coding-DNA position 3532, G replaced by A.
Protein change: p.Ala1178Thr; replaces alanine 1178 with threonine.
Molecular consequence: missense variant.
Genome position (GRCh38, 1-based): chr6:129,314,775, G>A. VCF-style: chr6-129314775-G-A. GRCh37 (hg19) VCF-style: chr6-129635920-G-A.
Other names: c.3532G>A, p.Ala1178Thr (NM_001079823.2); short protein forms A1178T.
Identifiers: ClinVar variation 162576 (VCV000162576.38), dbSNP rs34505698, ClinGen allele CA295392.
Genomic context (GRCh38, chr6:129,314,775, plus strand): 5'-AAGAATCCACTTGGCTGCAGCAGCTGCTATTGCTTCGGCACTACTACCCAGTGCTCTGAA[G>A]CAAAAGGACTGATCCGGACGTGGGTGAGTAGGGAACTGCTGAGCCATGTAATGGTATAAT-3'
Protein context (NP_000417.3, residues 1168-1188): CFGTTTQCSE[Ala1178Thr]KGLIRTWVTL

ClinVar aggregate classification (germline): Conflicting classifications of pathogenicity. Review status: criteria provided, conflicting classifications (1 of 4 stars). 14 submissions from 14 submitters: Uncertain significance (10); Likely benign (2). 2 of the submissions do not count toward it. Last evaluated 2026-02-01.

Conditions:
Muscular dystrophy, limb-girdle, autosomal recessive 23. Identifiers: Orphanet 565837, MedGen C4748327, MONDO:0029136, OMIM 618138.
LAMA2-related disorder. Also called: LAMA2-related condition; LAMA2-related disorders.
Merosin deficient congenital muscular dystrophy (MDC1A). Also called: Congenital merosin-deficient muscular dystrophy 1A; Congenital Muscular Dystrophy Type 1A (MDC1A). Identifiers: Orphanet 258, MedGen C1263858, MONDO:0011925, OMIM 607855.
LAMA2-related muscular dystrophy (LAMA2-RD). Also called: Laminin alpha 2-related dystrophy. Identifiers: MedGen C5679788, MONDO:0100228.
Congenital muscular dystrophy due to partial LAMA2 deficiency. Identifiers: MedGen C1842898.
Intellectual disability. Also called: Intellectual functioning disability; intellectual disabilities; Intellectual developmental disorder. Identifiers: MedGen C3714756, MeSH D008607, MONDO:0001071, HP:0001249.

Allele frequency attached by ClinVar (database versions not stated): 1000 Genomes Project 30x 0.00016; 1000 Genomes Project 0.00020; ExAC 0.00040; gnomAD exomes 0.00047; gnomAD 0.00066; TOPMed 0.00071; ESP Exome Variant Server 0.00100.
gnomAD v4.1: 1,872 of 1,614,050 alleles (0.12%); highest among the groups gnomAD compares: Non-Finnish European, 0.15%; 3 homozygotes.

Submissions (14):

Labcorp Genetics (formerly Invitae), Labcorp
Classification: Likely benign for LAMA2-related muscular dystrophy. Last evaluated: 2026-02-01. Review status: criteria provided, single submitter. Criteria: Invitae Variant Classification Sherloc (09022015). Collection method: clinical testing. Allele origin: germline.

Women's Health and Genetics/Laboratory Corporation of America, LabCorp
Classification: Likely benign. Last evaluated: 2025-11-03. Review status: criteria provided, single submitter. Criteria: LabCorp Variant Classification Summary - May 2015. Collection method: clinical testing. Allele origin: germline.
Comment: Variant summary: LAMA2 c.3532G>A (p.Ala1178Thr) results in a non-conservative amino acid change located in the Tie2 ligand-binding domain superfamily (IPR009254) of the encoded protein sequence. Algorithms developed to predict the effect of missense changes on protein structure and function are either unavailable or do not agree on the potential impact of this missense change. The variant allele was found at a frequency of 0.0012 in 1614050 control chromosomes in the gnomAD database, including 3 homozygotes. This frequency is not significantly higher than estimated for disease-causing variants in LAMA2, allowing no conclusion about variant significance.c.3532G>A has been reported in the literature in at least one compound heterozygous individual affected with psychomotor impariment and polyneuropathy. These data do not allow any conclusion about variant significance. To our knowledge, no experimental evidence demonstrating an impact on protein function has been reported. The following publication have been ascertained in the context of this evaluation (PMID: 35710456). ClinVar contains an entry for this variant (Variation ID: 162576). Based on the evidence outlined above, the variant was classified as likely benign.

Blueprint Genetics
Classification: Uncertain significance. Last evaluated: 2024-11-06. Review status: criteria provided, single submitter. Criteria: ACMG Guidelines, 2015. Collection method: clinical testing. Allele origin: germline.

GeneDx
Classification: Uncertain significance. Last evaluated: 2024-08-06. Review status: criteria provided, single submitter. Criteria: GeneDx Variant Classification Process June 2021. Collection method: clinical testing. Allele origin: germline. Affected: yes.
Comment: In silico analysis indicates that this missense variant does not alter protein structure/function; This variant is associated with the following publications: (PMID: 35710456)

Mayo Clinic Laboratories, Mayo Clinic
Classification: Uncertain significance. Last evaluated: 2024-05-16. Review status: criteria provided, single submitter. Criteria: ACMG Guidelines, 2015. Collection method: clinical testing. Allele origin: germline. Observed: 5 variant alleles.
Comment: BS2, BP4_moderate, PM3

PreventionGenetics, part of Exact Sciences
Classification: Uncertain significance for LAMA2-related condition. Last evaluated: 2023-05-31. Review status: criteria provided, single submitter. Criteria: ACMG Guidelines, 2015. Collection method: clinical testing. Allele origin: germline.
Comment: The LAMA2 c.3532G>A variant is predicted to result in the amino acid substitution p.Ala1178Thr. This variant was reported as possibly causative variant in compound heterozygous state in an individual with Psychomotor retardation and polyneuropathy (Table S1, Schobers et al 2022. PubMed ID: 35710456). This variant is reported in 0.080% of alleles in individuals of European (Non-Finnish) descent in gnomAD. At this time, the clinical significance of this variant is uncertain due to the absence of conclusive functional and genetic evidence.

Department of Pathology and Laboratory Medicine, Sinai Health System
Classification: Uncertain significance for Merosin deficient congenital muscular dystrophy; Muscular dystrophy, limb-girdle, autosomal recessive 23. Last evaluated: 2021-10-06. Review status: criteria provided, single submitter. Criteria: ACMG Guidelines, 2015. Collection method: research. Allele origin: germline.

Knight Diagnostic Laboratories, Oregon Health and Sciences University
Classification: Uncertain significance for Muscular dystrophy, limb-girdle, autosomal recessive 23. Last evaluated: 2019-07-29. Review status: criteria provided, single submitter. Criteria: ACMG Guidelines, 2015. Collection method: clinical testing. Allele origin: germline. Observed: 1 variant allele.

Fulgent Genetics
Classification: Uncertain significance for Merosin deficient congenital muscular dystrophy; Muscular dystrophy, limb-girdle, autosomal recessive 23. Last evaluated: 2018-10-31. Review status: criteria provided, single submitter. Criteria: ACMG Guidelines, 2015. Collection method: clinical testing. Allele origin: unknown.

Illumina Laboratory Services, Illumina
Classification: Uncertain significance for Congenital muscular dystrophy due to partial LAMA2 deficiency. Last evaluated: 2018-01-12. Review status: criteria provided, single submitter. Criteria: ICSL Variant Classification Criteria 13 December 2019. Collection method: clinical testing. Allele origin: germline.

Athena Diagnostics
Classification: Uncertain significance. Last evaluated: 2017-10-05. Review status: criteria provided, single submitter. Criteria: Athena Diagnostics Criteria. Collection method: clinical testing. Allele origin: germline.

Eurofins Ntd Llc (ga)
Classification: Uncertain significance. Last evaluated: 2016-12-15. Review status: criteria provided, single submitter. Criteria: EGL Classification Definitions 2015. Collection method: clinical testing. Allele origin: germline. Observed: 1 variant allele, 1 heterozygote.

Centre de Biologie Pathologie Génétique, Centre Hospitalier Universitaire de Lille
Classification: Uncertain significance for Intellectual disability. Last evaluated: 2019-01-01. Review status: no assertion criteria provided. Collection method: clinical testing. Allele origin: unknown. Affected: yes. Not counted in ClinVar's aggregate classification.

Joint Genome Diagnostic Labs from Nijmegen and Maastricht, Radboudumc and MUMC+
Classification: Uncertain significance. Review status: no assertion criteria provided. Collection method: clinical testing. Allele origin: germline. Affected: yes. Not counted in ClinVar's aggregate classification.

Literature cited by the submitters: PubMed 35710456 (cited by Women's Health and Genetics/Laboratory Corporation of America, LabCorp and Mayo Clinic Laboratories, Mayo Clinic).